The following is an entry in ClinVar:

NM_133433.4(NIPBL):c.4994C>T (p.Thr1665Ile)

Gene: NIPBL (NIPBL cohesin loading factor; plus strand). Cytogenetic location: 5p13.2.
Variant type: single nucleotide variant.
Coding change: c.4994C>T on transcript NM_133433.4 (MANE Select); coding-DNA position 4994, C replaced by T.
Protein change: p.Thr1665Ile; replaces threonine 1665 with isoleucine.
Molecular consequence: missense variant.
Genome position (GRCh38, 1-based): chr5:37,019,384, C>T. VCF-style: chr5-37019384-C-T. GRCh37 (hg19) VCF-style: chr5-37019486-C-T.
Other names: c.4994C>T, p.Thr1665Ile (NM_001438586.1, NM_015384.5); short protein forms T1665I.
Identifiers: ClinVar variation 4977654 (VCV004977654.1).

ClinVar aggregate classification (germline): Uncertain significance (1 of 4 stars; one submission).

Conditions:
NIPBL-related disorder. Also called: NIPBL-related condition.

gnomAD v4.1: 2 of 1,611,196 alleles (0.00012%); highest among the groups gnomAD compares: Admixed American, 0.0017%; no homozygotes.

Submission:

PreventionGenetics, part of Exact Sciences
Classification: Uncertain significance for NIPBL-related condition. Last evaluated: 2025-09-21. Review status: criteria provided, single submitter. Criteria: ACMG Guidelines, 2015. Collection method: clinical testing. Allele origin: germline.
Comment: The NIPBL c.4994C>T variant is predicted to result in the amino acid substitution p.Thr1665Ile. To our knowledge, this variant has not been reported in the literature or in a large population database (gnomAD), indicating this variant is rare. At this time, the clinical significance of this variant is uncertain due to the absence of conclusive functional and genetic evidence.